The following is an entry in ClinVar:

ClinVar aggregate classification (germline): Uncertain significance (1 of 4 stars; one submission).

Submission:

Labcorp Genetics (formerly Invitae), Labcorp
Classification: Uncertain significance. Last evaluated: 2021-05-04. Review status: criteria provided, single submitter. Criteria: Invitae Variant Classification Sherloc (09022015). Collection method: clinical testing. Allele origin: germline.
Comment: In summary, the available evidence is currently insufficient to determine the role of this variant in disease. Therefore, it has been classified as a Variant of Uncertain Significance. This variant has not been reported in the literature in individuals with CLCN6-related conditions. This variant is not present in population databases (ExAC no frequency). This sequence change creates a premature translational stop signal (p.Cys326Metfs*46) in the CLCN6 gene. It is expected to result in an absent or disrupted protein product. However, the current clinical and genetic evidence is not sufficient to establish whether loss-of-function variants in CLCN6 cause disease.

NM_001286.5(CLCN6):c.975dup (p.Cys326fs)

Gene: CLCN6 (chloride voltage-gated channel 6; plus strand). Cytogenetic location: 1p36.22.
Variant type: Duplication.
Coding change: c.975dup on transcript NM_001286.5 (MANE Select); coding-DNA position 975, one base duplicated (A; older notation c.975dupA).
Protein change: p.Cys326fs; shifts the reading frame from cysteine 326.
Molecular consequence: frameshift variant. On other transcripts: non-coding transcript variant (1).
Genome position (GRCh38, 1-based): chr1:11,828,478, A duplicated; the last of 6 consecutive A bases (chr1:11,828,473-11,828,478); duplicating any one gives the same sequence. VCF-style (leftmost placement, unchanged base first): chr1-11828472-T-TA. GRCh37 (hg19) VCF-style: chr1-11888529-T-TA.
Other names: c.909dup, p.Cys304fs (NM_001256959.2); short protein forms C326fs, C304fs.
Identifiers: ClinVar variation 1461570 (VCV001461570.6), dbSNP rs1446648587, ClinGen allele CA645512126.